The following is an entry in ClinVar:

ClinVar aggregate classification (germline): Uncertain significance. Review status: criteria provided, multiple submitters, no conflicts (2 of 4 stars). 2 submissions from 2 submitters: Uncertain significance (2). Last evaluated 2024-11-08.

Conditions:
Inborn genetic diseases. Identifiers: MedGen C0950123, MeSH D030342.

Allele frequency attached by ClinVar (database versions not stated): ExAC 0.00001; gnomAD 0.00001; gnomAD exomes 0.00002; TOPMed 0.00003; ESP Exome Variant Server 0.00008.
gnomAD v4.1: 30 of 1,613,520 alleles (0.0019%); highest among the groups gnomAD compares: Non-Finnish European, 0.0025%; no homozygotes.

Submissions (2):

Ambry Genetics
Classification: Uncertain significance for Inborn genetic diseases. Last evaluated: 2024-11-08. Review status: criteria provided, single submitter. Criteria: Ambry Variant Classification Scheme 2023. Collection method: clinical testing. Allele origin: germline.

Labcorp Genetics (formerly Invitae), Labcorp
Classification: Uncertain significance. Last evaluated: 2024-02-25. Review status: criteria provided, single submitter. Criteria: Invitae Variant Classification Sherloc (09022015). Collection method: clinical testing. Allele origin: germline.
Comment: This sequence change replaces asparagine, which is neutral and polar, with lysine, which is basic and polar, at codon 666 of the LRP2 protein (p.Asn666Lys). This variant is present in population databases (rs375874367, gnomAD 0.002%). This variant has not been reported in the literature in individuals affected with LRP2-related conditions. ClinVar contains an entry for this variant (Variation ID: 1950358). An algorithm developed to predict the effect of missense changes on protein structure and function (PolyPhen-2) suggests that this variant¬†is likely to be tolerated. In summary, the available evidence is currently insufficient to determine the role of this variant in disease. Therefore, it has been classified as a Variant of Uncertain Significance.

NM_004525.3(LRP2):c.1998C>A (p.Asn666Lys)

Gene: LRP2 (LDL receptor related protein 2; minus strand). Cytogenetic location: 2q31.1.
Variant type: single nucleotide variant.
Coding change: c.1998C>A on transcript NM_004525.3 (MANE Select); coding-DNA position 1998, C replaced by A.
Protein change: p.Asn666Lys; replaces asparagine 666 with lysine.
Molecular consequence: missense variant.
Genome position (GRCh38, 1-based): chr2:169,273,045, G>T on the plus strand (C>A on the coding strand, the complement: LRP2 is on the minus strand). VCF-style: chr2-169273045-G-T. GRCh37 (hg19) VCF-style: chr2-170129555-G-T.
Other names: c.1998C>A (NM_004525.2); short protein forms N666K.
Identifiers: ClinVar variation 1950358 (VCV001950358.4), dbSNP rs375874367, ClinGen allele CA1955407.